The following is an entry in ClinVar:

ClinVar aggregate classification (germline): Pathogenic. Review status: criteria provided, multiple submitters, no conflicts (2 of 4 stars). 4 submissions from 4 submitters: Pathogenic (4). Last evaluated 2025-01-28.

Conditions:
Polycystic kidney disease 4 (PKD4). Also called: PKD3; POLYCYSTIC KIDNEY AND HEPATIC DISEASE 1; POLYCYSTIC KIDNEY DISEASE, INFANTILE, TYPE I; POLYCYSTIC KIDNEY DISEASE 4 WITH OR WITHOUT POLYCYSTIC LIVER DISEASE; Autosomal Recessive Polycystic Kidney Disease – PKHD1. Identifiers: MedGen C4540575, MONDO:0033004, OMIM 263200.
Autosomal recessive polycystic kidney disease (ARPKD). Also called: AR polycystic kidney disease. Identifiers: Orphanet 731, Orphanet 8378, MedGen C0085548, MeSH D017044, MONDO:0009889.

Allele frequency attached by ClinVar (database versions not stated): TOPMed below 0.00001.
gnomAD v4.1: 6 of 1,612,142 alleles (0.00037%); highest among the groups gnomAD compares: Non-Finnish European, 0.00042%; no homozygotes.

Submissions (4):

Natera, Inc.
Classification: Pathogenic for Autosomal recessive polycystic kidney disease. Last evaluated: 2025-01-28. Review status: criteria provided, single submitter. Criteria: Natera Variant Classification Schema (03/2026). Collection method: clinical testing. Allele origin: germline.
Comment: The c.7514T>A variant in PKHD1 is a nonsense variant predicted to introduce a stop codon at amino acid 2505. This variant is expected to result in nonsense mediated decay, truncation, or a dysfunctional protein product. This variant is rare in the general population with a frequency below the threshold expected for the associated phenotype(s). This variant has been observed in one or more individuals affected with the associated recessive disease, as either homozygous or compound heterozygous with a second variant (PMID: 35497799). Given the available evidence, this variant is classified as Pathogenic.

Baylor Genetics
Classification: Pathogenic for Polycystic kidney disease 4. Last evaluated: 2023-10-09. Review status: criteria provided, single submitter. Criteria: ACMG Guidelines, 2015. Collection method: clinical testing. Allele origin: unknown.

Fulgent Genetics
Classification: Pathogenic for Polycystic kidney disease 4. Last evaluated: 2022-04-11. Review status: criteria provided, single submitter. Criteria: ACMG Guidelines, 2015. Collection method: clinical testing. Allele origin: unknown.

Labcorp Genetics (formerly Invitae), Labcorp
Classification: Pathogenic for Autosomal recessive polycystic kidney disease. Last evaluated: 2022-02-11. Review status: criteria provided, single submitter. Criteria: Invitae Variant Classification Sherloc (09022015). Collection method: clinical testing. Allele origin: germline.
Comment: For these reasons, this variant has been classified as Pathogenic. This variant has not been reported in the literature in individuals affected with PKHD1-related conditions. This variant is present in population databases (rs769645972, gnomAD 0.004%). This sequence change creates a premature translational stop signal (p.Leu2505*) in the PKHD1 gene. It is expected to result in an absent or disrupted protein product. Loss-of-function variants in PKHD1 are known to be pathogenic (PMID: 19940839).

Literature cited by the submitters: PubMed 35497799 (cited by Natera, Inc.); PubMed 19940839 (cited by Labcorp Genetics (formerly Invitae), Labcorp).

NM_138694.4(PKHD1):c.7514T>A (p.Leu2505Ter)

Gene: PKHD1 (PKHD1 ciliary IPT domain containing fibrocystin/polyductin; minus strand). Cytogenetic location: 6p12.2.
Variant type: single nucleotide variant.
Coding change: c.7514T>A on transcript NM_138694.4 (MANE Select); coding-DNA position 7514, T replaced by A.
Protein change: p.Leu2505Ter; replaces leucine 2505 with a stop codon.
Molecular consequence: nonsense.
Genome position (GRCh38, 1-based): chr6:51,868,082, A>T on the plus strand (T>A on the coding strand, the complement: PKHD1 is on the minus strand). VCF-style: chr6-51868082-A-T. GRCh37 (hg19) VCF-style: chr6-51732880-A-T.
Other names: c.7514T>A, p.Leu2505Ter (NM_170724.3); c.7514T>A (NM_138694.3); short protein forms L2505*.
Identifiers: ClinVar variation 1401533 (VCV001401533.9), dbSNP rs769645972, ClinGen allele CA3851906.
Genomic context (GRCh38, chr6:51,868,082, plus strand): 5'-TCCAAAATTGCTGCATGAGGAAATGGAAATGCCACTAAGTTTGAAGAGTTTGTAAACTTC[A>T]ACTGGCTGGTCTTCACAGTAAATCCACCTATAAATTGGAAAACAGAAAGATTATTACACA-3'